The following is an entry in ClinVar:

NM_003995.4(NPR2):c.1259G>A (p.Trp420Ter)

Gene: NPR2 (natriuretic peptide receptor 2; plus strand). Cytogenetic location: 9p13.3.
Variant type: single nucleotide variant.
Coding change: c.1259G>A on transcript NM_003995.4 (MANE Select); coding-DNA position 1259, G replaced by A.
Protein change: p.Trp420Ter; replaces tryptophan 420 with a stop codon.
Molecular consequence: nonsense.
Genome position (GRCh38, 1-based): chr9:35,800,749, G>A. VCF-style: chr9-35800749-G-A. GRCh37 (hg19) VCF-style: chr9-35800746-G-A.
Other names: c.1259G>A, p.Trp420Ter (NM_001378923.1); short protein forms W420*.
Identifiers: ClinVar variation 4787377 (VCV004787377.1).
Genomic context (GRCh38, chr9:35,800,749, plus strand): 5'-AGCTTTTTGCTTCCTTACAGCCTGCAGCCCACTACTCGGGAGCTGAGAAGCAGATTTGGT[G>A]GACGGGACGGCCTATTCCCTGGGTGAAGGGGGCTCCTCCCTCGGACAATCCCCCCTGTGC-3'

ClinVar aggregate classification (germline): Pathogenic (1 of 4 stars; one submission).

Conditions:
Tall stature-scoliosis-macrodactyly of the great toes syndrome. Also called: Epiphyseal chondrodysplasia, miura type. Identifiers: Orphanet 329191, MedGen C4014690, MONDO:0014401, OMIM 615923.
Acromesomelic dysplasia 1, Maroteaux type (AMD1). Also called: ST. HELENA DYSPLASIA; ACROMESOMELIC DYSPLASIA 1. Identifiers: Orphanet 40, MedGen C1864356, MONDO:0011275, OMIM 602875.

Submission:

Labcorp Genetics (formerly Invitae), Labcorp
Classification: Pathogenic for Tall stature-scoliosis-macrodactyly of the great toes syndrome; Acromesomelic dysplasia 1, Maroteaux type. Last evaluated: 2026-01-26. Review status: criteria provided, single submitter. Criteria: Invitae Variant Classification Sherloc (09022015). Collection method: clinical testing. Allele origin: germline.
Comment: This sequence change creates a premature translational stop signal (p.Trp420*) in the NPR2 gene. It is expected to result in an absent or disrupted protein product. Loss-of-function variants in NPR2 are known to be pathogenic (PMID: 15146390, 15572448, 16384845). This variant is not present in population databases (gnomAD no frequency). This variant has not been reported in the literature in individuals affected with NPR2-related conditions. Algorithms developed to predict the effect of sequence changes on RNA splicing suggest that this variant may disrupt the consensus splice site. For these reasons, this variant has been classified as Pathogenic.

Literature cited by the submitters: PubMed 15146390; PubMed 15572448; PubMed 16384845.